The following is an entry in ClinVar:

ClinVar aggregate classification (germline): Pathogenic/Likely pathogenic. Review status: criteria provided, multiple submitters, no conflicts (2 of 4 stars). 10 submissions from 10 submitters: Pathogenic (5); Likely pathogenic (5). Last evaluated 2026-08-10.

Conditions:
Cardiovascular phenotype. Identifiers: MedGen CN230736.
Hereditary hemorrhagic telangiectasia (HHT). Also called: Osler hemorrhagic telangiectasia syndrome; ORW DISEASE; Osler Weber Rendu syndrome; OSLER-RENDU-WEBER DISEASE. Identifiers: Orphanet 774, MedGen C0039445, MONDO:0019180. Disease mechanism: loss of function.
Telangiectasia, hereditary hemorrhagic, type 1 (HHT1). Also called: Osler Weber Rendu syndrome type 1; ENG-Related Hereditary Hemorrhagic Telangiectasia. Identifiers: Orphanet 774, MedGen C4551861, MONDO:0008535, OMIM 187300. Disease mechanism: loss of function.

Allele frequency attached by ClinVar (database versions not stated): TOPMed below 0.00001; gnomAD 0.00001.
gnomAD v4.1: 7 of 1,612,988 alleles (0.00043%); highest among the groups gnomAD compares: Non-Finnish European, 0.00059%; no homozygotes.

Submissions (10):

Ambry Genetics
Classification: Pathogenic for Cardiovascular phenotype. Last evaluated: 2026-08-10. Review status: criteria provided, single submitter. Criteria: Ambry Variant Classification Scheme 2023. Collection method: clinical testing. Allele origin: germline.
Comment: The c.1309C>T (p.R437W) alteration is located in exon 10 (coding exon 10) of the ENG gene. This alteration results from a C to T substitution at nucleotide position 1309, causing the arginine (R) at amino acid position 437 to be replaced by a tryptophan (W). This variant was not reported in population-based cohorts in the Genome Aggregation Database (gnomAD). This variant was reported in individual(s) with features consistent with ENG-related hereditary hemorrhagic telangiectasia (Bossler, 2006; Gedge, 2007; McDonald, 2011; T&oslash;rring, 2014). This amino acid position is well conserved in available vertebrate species. The in silico prediction for this alteration is inconclusive. Based on the available evidence, this alteration is classified as pathogenic.

GeneDx
Classification: Likely pathogenic. Last evaluated: 2026-04-13. Review status: criteria provided, single submitter. Criteria: GeneDx Variant Classification Process June 2021. Collection method: clinical testing. Allele origin: germline.
Comment: Functional studies have shown that protein harboring p.(R437W) traffic to the plasma membrane similar to wild-type protein, although no further functional assessment was reported (PMID: 22022569); In silico analysis supports that this missense variant has a deleterious effect on protein structure/function; Not observed at significant frequency in large population cohorts (gnomAD); This variant is associated with the following publications: (PMID: 16752392, 24001356, 23535011, 20414677, 32300199, 21158752, 17384219, 22022569, 40447356)

Labcorp Genetics (formerly Invitae), Labcorp
Classification: Pathogenic for Hereditary hemorrhagic telangiectasia. Last evaluated: 2025-12-08. Review status: criteria provided, single submitter. Criteria: Invitae Variant Classification Sherloc (09022015). Collection method: clinical testing. Allele origin: germline.
Comment: This sequence change replaces arginine, which is basic and polar, with tryptophan, which is neutral and slightly polar, at codon 437 of the ENG protein (p.Arg437Trp). This variant is present in population databases (no rsID available, gnomAD 0.007%). This missense change has been observed in individuals with clinical features of ENG-related conditions (PMID: 16752392, 20414677, 21158752, 23535011; internal data). ClinVar contains an entry for this variant (Variation ID: 618082). An algorithm developed to predict the effect of missense changes on protein structure and function outputs the following: PolyPhen-2: "Benign". The tryptophan amino acid residue is found in multiple mammalian species, which suggests that this missense change does not adversely affect protein function. Experimental studies have shown that this missense change does not substantially affect ENG function (PMID: 22022569). Algorithms developed to predict the effect of sequence changes on RNA splicing suggest that this variant may disrupt the consensus splice site. This variant disrupts the p.Arg437 amino acid residue in ENG. Other variant(s) that disrupt this residue have been observed in individuals with ENG-related conditions (PMID: 21158752, 24001356), which suggests that this may be a clinically significant amino acid residue. For these reasons, this variant has been classified as Pathogenic.

Institute of Human Genetics, University of Leipzig Medical Center
Classification: Likely pathogenic for Telangiectasia, hereditary hemorrhagic, type 1. Last evaluated: 2025-07-02. Review status: criteria provided, single submitter. Criteria: ACMG Guidelines, 2015. Collection method: clinical testing. Allele origin: paternal. Inheritance: Autosomal dominant inheritance. Affected: yes.
Comment: Criteria applied: PS4,PM5,PM2_SUP

Molecular Genetics, Royal Melbourne Hospital
Classification: Likely pathogenic for Hereditary hemorrhagic telangiectasia. Last evaluated: 2023-03-30. Review status: criteria provided, single submitter. Criteria: ACMG Guidelines, 2015. Collection method: clinical testing. Allele origin: germline. Affected: yes.
Comment: This sequence change in ENG is predicted to replace arginine with tryptophan at codon 437, p.(Arg437Trp). The arginine residue is weakly conserved (35/45 vertebrates, UCSC), and is located in the zona pellucida domain. There is a large physicochemical difference between arginine and tryptophan. This variant is present in a single European (non-Finnish) individual in the population database gnomAD v3.1 (1/68,052 alleles). This variant has been reported in several probands/families with a clinical diagnosis of hereditary haemorrhagic telangiectasia (HHT; ClinVar; PMID: 17384219, 20414677, 23535011; ARUP ENG database; Royal Melbourne Hospital). The variant has been reported to segregate with HHT in at least one affected family member from a single family (PMID: 23535011). Multiple lines of computational evidence have conflicting predictions for the missense substitution (5/6 algorithms predict benign). Other missense variants in the same codon (p.Arg437) have been reported in individuals with HHT (PMID: 21158752, 24001356). Based on the classification scheme RMH Modified ACMG Guidelines v1.5.1, this variant is classified as LIKELY PATHOGENIC. Following criteria are met: PS4_VeryStrong, PM2_Supporting.

Mayo Clinic Laboratories, Mayo Clinic
Classification: Likely pathogenic. Last evaluated: 2022-11-08. Review status: criteria provided, single submitter. Criteria: ACMG Guidelines, 2015. Collection method: clinical testing. Allele origin: germline. Observed: 1 variant allele.
Comment: PP4, PM1, PM2_supporting, PS4_moderate

Department of Pathology and Laboratory Medicine, Sinai Health System
Classification: Pathogenic for Telangiectasia, hereditary hemorrhagic, type 1. Last evaluated: 2022-04-05. Review status: criteria provided, single submitter. Criteria: ACMG Guidelines, 2015. Collection method: research. Allele origin: germline.

CeGaT Center for Human Genetics Tuebingen
Classification: Likely pathogenic. Last evaluated: 2021-09-01. Review status: criteria provided, single submitter. Criteria: CeGaT Center For Human Genetics Tuebingen Variant Classification Criteria Version 2. Collection method: clinical testing. Allele origin: germline. Affected: yes. Observed: 1 variant allele.

Victorian Clinical Genetics Services, Murdoch Childrens Research Institute
Classification: Pathogenic for Telangiectasia, hereditary hemorrhagic, type 1. Last evaluated: 2021-05-06. Review status: criteria provided, single submitter. Criteria: ACMG Guidelines, 2015. Collection method: clinical testing. Allele origin: germline. Inheritance: Autosomal dominant inheritance.
Comment: Based on the classification scheme VCGS_Germline_v1.3.4, this variant is classified as Pathogenic. Following criteria are met: 0103 - Dominant negative and loss of function are known mechanisms of disease in this gene and are associated with Hereditary Hemorrhagic Telangiectasia type 1 (MIM#187300). Loss-of-function variants have been reported, while missense variants have been demonstrated to have both loss of function and dominant negative effects on protein activity (PMID: 25312062). (I). 0107 - This gene is associated with autosomal dominant disease. (I) 0200 - Variant is predicted to result in a missense amino acid change from arginine to tryptophan. (I) 0251 - This variant is heterozygous. (I) 0302 - Variant is present in gnomAD (v3) <0.001 for a dominant condition (1 heterozygote, 0 homozygotes). (SP) 0309 - An alternative amino acid change at the same position has been observed in gnomAD (v2) (3 heterozygotes, 0 homozygotes). (I) 0504 - Same amino acid change has been observed in placental mammals. (SB) 0600 - Variant is located in the annotated Zona pellucida-like domain (NCBI). (I) 0801 - This variant has strong previous evidence of pathogenicity in unrelated individuals. This variant has been previously reported as pathogenic in multiple patients with hereditary hemorrhagic telangiectasia type 1 (ClinVar, PMID: 17384219, 20414677) (SP) 1208 - Inheritance information for this variant is not currently available in this individual. (I) Legend: (SP) - Supporting pathogenic, (I) - Information, (SB) - Supporting benign

ARUP Laboratories, Molecular Genetics and Genomics, ARUP Laboratories
Classification: Pathogenic for Telangiectasia, hereditary hemorrhagic, type 1. Last evaluated: 2019-06-01. Review status: criteria provided, single submitter. Criteria: ARUP Molecular Germline Variant Investigation Process. Collection method: clinical testing. Allele origin: germline.
Comment: The ENG c.1309C>T; p.Arg437Trp variant (rs1434169817) is reported in the literature in individuals with symptoms of HHT (Bossler 2006, Gedge 2007), and has been identified by our laboratory in several unrelated individuals affected with HHT. Additionally, a different alteration at this codon (p.Arg437Gln) has also been identified by our laboratory in multiple affected individuals and is considered pathogenic. The p.Arg437Trp variant is absent from general population databases (Exome Variant Server, Genome Aggregation Database), indicating it is not a common polymorphism. Based on available information, this variant is considered to be pathogenic. REFERENCES Bossler AD et al. Novel mutations in ENG and ACVRL1 identified in a series of 200 individuals undergoing clinical genetic testing for hereditary hemorrhagic telangiectasia (HHT): correlation of genotype with phenotype. Hum Mutat. 2006 Jul;27(7):667-75. Gedge F et al. Clinical and analytical sensitivities in hereditary hemorrhagic telangiectasia testing and a report of de novo mutations. J Mol Diagn. 2007 Apr;9(2):258-65.

Literature cited by the submitters: PubMed 16752392 (cited by 3 submitters); PubMed 17384219 (cited by 4 submitters); PubMed 21158752 (cited by 3 submitters); PubMed 24001356 (cited by 3 submitters); PubMed 20414677 (cited by 4 submitters); PubMed 23535011 (cited by Labcorp Genetics (formerly Invitae), Labcorp and Molecular Genetics, Royal Melbourne Hospital); PubMed 22022569 (cited by Labcorp Genetics (formerly Invitae), Labcorp and Mayo Clinic Laboratories, Mayo Clinic); PubMed 32300199 (cited by Mayo Clinic Laboratories, Mayo Clinic); PubMed 25312062 (cited by Victorian Clinical Genetics Services, Murdoch Childrens Research Institute).

NM_001114753.3(ENG):c.1309C>T (p.Arg437Trp)

Genes: ENG (endoglin; minus strand), LOC102723566 (uncharacterized LOC102723566; plus strand). Cytogenetic location: 9q34.11.
Variant type: single nucleotide variant.
Coding change: c.1309C>T on transcript NM_001114753.3 (MANE Select); coding-DNA position 1309, C replaced by T.
Protein change: p.Arg437Trp; replaces arginine 437 with tryptophan.
Molecular consequence: missense variant.
Genome position (GRCh38, 1-based): chr9:127,819,624, G>A on the plus strand (C>T on the coding strand, the complement: ENG is on the minus strand). VCF-style: chr9-127819624-G-A. GRCh37 (hg19) VCF-style: chr9-130581903-G-A.
Other names: c.1309C>T, p.Arg437Trp (NM_000118.4); c.763C>T, p.Arg255Trp (NM_001278138.2); c.1309C>T (NM_000118.2); short protein forms R437W, R255W.
Identifiers: ClinVar variation 618082 (VCV000618082.63), dbSNP rs1434169817, ClinGen allele CA374977972.
Genomic context (GRCh38, chr9:127,819,624, plus strand): 5'-CCCCGGCCCAGCAGCAGCCCCTGGGCCAGGTGGGTTAGCACGTGACTGTCCATCTCACCC[G>A]CTGTGGTGATGAGCTCGACAGGATATTGACCACCGCCTGCGGGGATAAAGCCAGGGAGCT-3'
Protein context (NP_001108225.1, residues 427-447): VNILSSSSPQ[Arg437Trp]KKVHCLNMDS